The following is an entry in ClinVar:

NC_000017.10:g.(?_41258383)_(41258523_?)del

Gene: BRCA1 (BRCA1 DNA repair associated; minus strand). Cytogenetic location: 17q21.31.
Variant type: Deletion.
Identifiers: ClinVar variation 2425725 (VCV002425725.7).

ClinVar aggregate classification (germline): Pathogenic (1 of 4 stars; one submission).

Conditions:
Hereditary breast ovarian cancer syndrome. Also called: Hereditary breast and ovarian cancer syndrome (HBOC); Breast and ovarian cancer; Hereditary breast and/or ovarian cancer syndrome; Hereditary breast and ovarian cancer; BRCA1- and BRCA2-Associated Hereditary Breast and Ovarian Cancer; Hereditary breast and ovarian cancer syndrome. Identifiers: Orphanet 145, MedGen C0677776, MeSH D061325, MONDO:0003582. Disease mechanism: loss of function.

Submission:

Labcorp Genetics (formerly Invitae), Labcorp
Classification: Pathogenic for Hereditary breast ovarian cancer syndrome. Last evaluated: 2021-11-29. Review status: criteria provided, single submitter. Criteria: Invitae Variant Classification Sherloc (09022015). Collection method: clinical testing. Allele origin: germline.
Comment: For these reasons, this variant has been classified as Pathogenic. This variant disrupts a region of the BRCA1 protein in which other variant(s) (p.Cys61 and p.Cys64) have been determined to be pathogenic (Invitae). This suggests that this is a clinically significant region of the protein, and that variants that disrupt it are likely to be disease-causing. This variant has not been reported in the literature in individuals affected with BRCA1-related conditions. This variant results in the deletion of part of exon 4 (c.162_212+90del) of the BRCA1 gene. It is expected to disrupt RNA splicing. Variants that disrupt the donor or acceptor splice site typically lead to a loss of protein function (PMID: 16199547), and loss-of-function variants in BRCA1 are known to be pathogenic (PMID: 20104584).

Literature cited by the submitters: PubMed 16199547; PubMed 20104584.